The following is an entry in ClinVar:

ClinVar aggregate classification (germline): Uncertain significance. Review status: criteria provided, multiple submitters, no conflicts (2 of 4 stars). 2 submissions from 2 submitters: Uncertain significance (2). Last evaluated 2023-01-24.

Conditions:
Inborn genetic diseases. Identifiers: MedGen C0950123, MeSH D030342.
Familial hemophagocytic lymphohistiocytosis 5. Also called: STXBP2-Related Familial Hemophagocytic Lymphohistiocytosis (STXBP2-fHLH). Identifiers: Orphanet 540, MedGen C2751293, MONDO:0013135, OMIM 613101.

Allele frequency attached by ClinVar (database versions not stated): gnomAD 0.00001; gnomAD exomes 0.00001 and 0.00002; TOPMed 0.00003.
gnomAD v4.1: 28 of 1,551,494 alleles (0.0018%); highest among the groups gnomAD compares: Admixed American, 0.0039%; no homozygotes.

Submissions (2):

Ambry Genetics
Classification: Uncertain significance for Inborn genetic diseases. Last evaluated: 2023-01-24. Review status: criteria provided, single submitter. Criteria: Ambry Variant Classification Scheme 2023. Collection method: clinical testing. Allele origin: germline.

Labcorp Genetics (formerly Invitae), Labcorp
Classification: Uncertain significance for Familial hemophagocytic lymphohistiocytosis 5. Last evaluated: 2022-08-16. Review status: criteria provided, single submitter. Criteria: Invitae Variant Classification Sherloc (09022015). Collection method: clinical testing. Allele origin: germline.
Comment: This sequence change replaces glutamic acid, which is acidic and polar, with lysine, which is basic and polar, at codon 170 of the STXBP2 protein (p.Glu170Lys). This variant is present in population databases (rs760837844, gnomAD 0.01%). This variant has not been reported in the literature in individuals affected with STXBP2-related conditions. ClinVar contains an entry for this variant (Variation ID: 1417108). Algorithms developed to predict the effect of missense changes on protein structure and function (SIFT, PolyPhen-2, Align-GVGD) all suggest that this variant is likely to be tolerated. In summary, the available evidence is currently insufficient to determine the role of this variant in disease. Therefore, it has been classified as a Variant of Uncertain Significance.

NM_006949.4(STXBP2):c.508G>A (p.Glu170Lys)

Gene: STXBP2 (syntaxin binding protein 2; plus strand). Cytogenetic location: 19p13.2.
Variant type: single nucleotide variant.
Coding change: c.508G>A on transcript NM_006949.4 (MANE Select); coding-DNA position 508, G replaced by A.
Protein change: p.Glu170Lys; replaces glutamic acid 170 with lysine.
Molecular consequence: missense variant. On other transcripts: non-coding transcript variant (1).
Genome position (GRCh38, 1-based): chr19:7,641,783, G>A. VCF-style: chr19-7641783-G-A. GRCh37 (hg19) VCF-style: chr19-7706669-G-A.
Other names: c.499G>A, p.Glu167Lys (NM_001127396.3); c.541G>A, p.Glu181Lys (NM_001272034.2); c.508G>A (NM_006949.2); short protein forms E181K, E167K, E170K.
Identifiers: ClinVar variation 1417108 (VCV001417108.5), dbSNP rs760837844, ClinGen allele CA9143677.